The following is an entry in ClinVar:

ClinVar aggregate classification (germline): Benign. Review status: criteria provided, multiple submitters, no conflicts (2 of 4 stars). 2 submissions from 2 submitters: Benign (2). Last evaluated 2018-01-13.

Conditions:
Brachydactyly. Also called: Brachydactyly syndrome; Brachydactyly (disease). Identifiers: MedGen C0221357, MONDO:0021004, HP:0001156.

Allele frequency attached by ClinVar (database versions not stated): gnomAD exomes 0.03719; gnomAD 0.10767 and 0.11418; 1000 Genomes Project 0.11322; 1000 Genomes Project 30x 0.11758; TOPMed 0.12274.
gnomAD v4.1: 16,277 of 152,170 alleles (11%); highest among the groups gnomAD compares: African/African-American, 31%; 2,130 homozygotes.

Submissions (2):

Illumina Laboratory Services, Illumina
Classification: Benign for Brachydactyly. Last evaluated: 2018-01-13. Review status: criteria provided, single submitter. Criteria: ICSL Variant Classification Criteria 13 December 2019. Collection method: clinical testing. Allele origin: germline.
Comment: This variant was observed in the ICSL laboratory as part of a predisposition screen in an ostensibly healthy population. It had not been previously curated by ICSL or reported in the Human Gene Mutation Database (HGMD: prior to June 1st, 2018), and was therefore a candidate for classification through an automated scoring system. Utilizing variant allele frequency, disease prevalence and penetrance estimates, and inheritance mode, an automated score was calculated to assess if this variant is too frequent to cause the disease. Based on the score and internal cut-off values, a variant classified as benign is not then subjected to further curation. The score for this variant resulted in a classification of benign for this disease.

Breakthrough Genomics
Classification: Benign. Review status: criteria provided, single submitter. Criteria: ACMG Guidelines, 2015. Collection method: not provided. Allele origin: germline. Inheritance: Autosomal recessive inheritance. Affected: yes.

NM_001203.3(BMPR1B):c.*641C>T

Gene: BMPR1B (bone morphogenetic protein receptor type 1B; plus strand). Cytogenetic location: 4q22.3.
Variant type: single nucleotide variant.
Coding change: c.*641C>T on transcript NM_001203.3 (MANE Select); 641 bases downstream of the stop codon, C replaced by T.
Molecular consequence: 3 prime UTR variant.
Genome position (GRCh38, 1-based): chr4:95,155,314, C>T. VCF-style: chr4-95155314-C-T. GRCh37 (hg19) VCF-style: chr4-96076465-C-T.
Other names: c.*641C>T (NM_001256792.2, NM_001256793.2, NM_001256794.1).
Identifiers: ClinVar variation 350140 (VCV000350140.6), dbSNP rs17023107, ClinGen allele CA10618656.